The following is an entry in ClinVar:

NM_000057.4(BLM):c.3869del (p.Ser1290fs)

Gene: BLM (BLM RecQ like helicase; plus strand). Cytogenetic location: 15q26.1.
Variant type: Deletion.
Coding change: c.3869del on transcript NM_000057.4 (MANE Select); coding-DNA position 3869, one base deleted (C; older notation c.3869delC).
Protein change: p.Ser1290fs; shifts the reading frame from serine 1290.
Molecular consequence: frameshift variant.
Genome position (GRCh38, 1-based): chr15:90,809,254, C deleted. VCF-style (leftmost placement, unchanged base first): chr15-90809253-TC-T. GRCh37 (hg19) VCF-style: chr15-91352483-TC-T.
Other names: c.3869del, p.Ser1290fs (NM_001287246.2); c.3476del, p.Ser1159fs (NM_001287247.2); c.2744del, p.Ser915fs (NM_001287248.2); short protein forms S1159fs, S1290fs, S915fs.
Identifiers: ClinVar variation 1069614 (VCV001069614.8), dbSNP rs2151198402, ClinGen allele CA2499223172.
Genomic context (GRCh38, chr15:90,809,253, plus strand): 5'-AAACTGGAAAAATATGGTGCGGAAGTGATTTCAGTATTACAGAAATACTCTGAATGGACA[TC>T]GCCAGGTTAGTACACAGCCATGTGTGTTCTCTAAAAGCCTGTTTAATGTGAAGCGACGCG-3'

ClinVar aggregate classification (germline): Pathogenic (1 of 4 stars; one submission).

Conditions:
Bloom syndrome (BLM). Also called: Bloom-Torre-Machacek syndrome. Identifiers: Orphanet 125, MedGen C0005859, MONDO:0008876, OMIM 210900.

Submission:

Labcorp Genetics (formerly Invitae), Labcorp
Classification: Pathogenic for Bloom syndrome. Last evaluated: 2020-02-02. Review status: criteria provided, single submitter. Criteria: Invitae Variant Classification Sherloc (09022015). Collection method: clinical testing. Allele origin: germline.
Comment: Loss-of-function variants in BLM are known to be pathogenic (PMID: 17407155). For these reasons, this variant has been classified as Pathogenic. This variant is not present in population databases (ExAC no frequency). This variant has not been reported in the literature in individuals with BLM-related conditions. This sequence change creates a premature translational stop signal (p.Ser1290Cysfs*10) in the BLM gene. It is expected to result in an absent or disrupted protein product.

Literature cited by the submitters: PubMed 17407155.